The following is an entry in ClinVar:

ClinVar aggregate classification (germline): Likely pathogenic (1 of 4 stars; one submission).

Conditions:
Dilated cardiomyopathy 1DD (CMD1DD). Identifiers: Orphanet 154, MedGen C2750995, MONDO:0013168, OMIM 613172.

gnomAD v4.1: 4 of 1,457,014 alleles (0.00027%); highest among the groups gnomAD compares: East Asian, 0.0078%; no homozygotes.

Submission:

Labcorp Genetics (formerly Invitae), Labcorp
Classification: Likely pathogenic for Dilated cardiomyopathy 1DD. Last evaluated: 2025-11-21. Review status: criteria provided, single submitter. Criteria: Invitae Variant Classification Sherloc (09022015). Collection method: clinical testing. Allele origin: germline.
Comment: This sequence change affects an acceptor splice site in intron 11 of the RBM20 gene. It is expected to disrupt RNA splicing. Variants that disrupt the donor or acceptor splice site typically lead to a loss of protein function (PMID: 16199547), and loss-of-function variants in RBM20 are known to be pathogenic (PMID: 20590677, 22004663, 38288598, 38510713, 40339755). This variant is not present in population databases (gnomAD no frequency). This variant has not been reported in the literature in individuals affected with RBM20-related conditions. Algorithms developed to predict the effect of sequence changes on RNA splicing suggest that this variant may disrupt the consensus splice site. In summary, the currently available evidence indicates that the variant is pathogenic, but additional data are needed to prove that conclusively. Therefore, this variant has been classified as Likely Pathogenic.

Literature cited by the submitters: PubMed 16199547; PubMed 20590677; PubMed 22004663; PubMed 38288598; PubMed 38510713; PubMed 40339755.

NM_001134363.3(RBM20):c.3317-2A>C

Gene: RBM20 (RNA binding motif protein 20; plus strand). Cytogenetic location: 10q25.2.
Variant type: single nucleotide variant.
Coding change: c.3317-2A>C on transcript NM_001134363.3 (MANE Select); the canonical splice acceptor site of the intron before coding-DNA position 3317, A replaced by C.
Molecular consequence: splice acceptor variant.
Genome position (GRCh38, 1-based): chr10:110,823,478, A>C. VCF-style: chr10-110823478-A-C. GRCh37 (hg19) VCF-style: chr10-112583236-A-C.
Identifiers: ClinVar variation 4727769 (VCV004727769.1).